The following is an entry in ClinVar:

NM_018685.5(ANLN):c.1604C>T (p.Thr535Ile)

Gene: ANLN (anillin, actin binding protein; plus strand). Cytogenetic location: 7p14.2.
Variant type: single nucleotide variant.
Coding change: c.1604C>T on transcript NM_018685.5 (MANE Select); coding-DNA position 1604, C replaced by T.
Protein change: p.Thr535Ile; replaces threonine 535 with isoleucine.
Molecular consequence: missense variant. On other transcripts: intron variant (2).
Genome position (GRCh38, 1-based): chr7:36,417,161, C>T. VCF-style: chr7-36417161-C-T. GRCh37 (hg19) VCF-style: chr7-36456770-C-T.
Other names: c.1522+1277C>T (NM_001284301.3, NM_001284302.3); c.1604C>T (NM_018685.2); short protein forms T535I.
Identifiers: ClinVar variation 2416177 (VCV002416177.7), dbSNP rs757094747, ClinGen allele CA4219655.

ClinVar aggregate classification (germline): Uncertain significance. Review status: criteria provided, multiple submitters, no conflicts (2 of 4 stars). 2 submissions from 2 submitters: Uncertain significance (2). Last evaluated 2025-06-27.

Allele frequency attached by ClinVar (database versions not stated): ExAC 0.00001; gnomAD 0.00001; gnomAD exomes 0.00001; TOPMed 0.00002.
gnomAD v4.1: 9 of 1,606,430 alleles (0.00056%); highest among the groups gnomAD compares: Middle Eastern, 0.066%; no homozygotes.

Submissions (2):

Labcorp Genetics (formerly Invitae), Labcorp
Classification: Uncertain significance. Last evaluated: 2025-06-27. Review status: criteria provided, single submitter. Criteria: Invitae Variant Classification Sherloc (09022015). Collection method: clinical testing. Allele origin: germline.
Comment: This sequence change replaces threonine, which is neutral and polar, with isoleucine, which is neutral and non-polar, at codon 535 of the ANLN protein (p.Thr535Ile). This variant is present in population databases (rs757094747, gnomAD 0.002%). This variant has not been reported in the literature in individuals affected with ANLN-related conditions. ClinVar contains an entry for this variant (Variation ID: 2416177). Invitae Evidence Modeling of protein sequence and biophysical properties (such as structural, functional, and spatial information, amino acid conservation, physicochemical variation, residue mobility, and thermodynamic stability) indicates that this missense variant is not expected to disrupt ANLN protein function with a negative predictive value of 80%. In summary, the available evidence is currently insufficient to determine the role of this variant in disease. Therefore, it has been classified as a Variant of Uncertain Significance.

Ambry Genetics
Classification: Uncertain significance. Last evaluated: 2024-07-02. Review status: criteria provided, single submitter. Criteria: Ambry Variant Classification Scheme 2023. Collection method: clinical testing. Allele origin: germline.